The following is an entry in ClinVar:

ClinVar aggregate classification (germline): Uncertain significance (1 of 4 stars; one submission).

Submission:

GeneDx
Classification: Uncertain significance. Last evaluated: 2026-02-17. Review status: criteria provided, single submitter. Criteria: GeneDx Variant Classification Process June 2021. Collection method: clinical testing. Allele origin: germline.
Comment: Not observed at significant frequency in large population cohorts (gnomAD); In silico analysis supports that this missense variant has a deleterious effect on protein structure/function; Has not been previously published as pathogenic or benign to our knowledge

NM_001202.6(BMP4):c.701T>C (p.Leu234Pro)

Gene: BMP4 (bone morphogenetic protein 4; minus strand). Cytogenetic location: 14q22.2.
Variant type: single nucleotide variant.
Coding change: c.701T>C on transcript NM_001202.6 (MANE Select); coding-DNA position 701, T replaced by C.
Protein change: p.Leu234Pro; replaces leucine 234 with proline.
Molecular consequence: missense variant.
Genome position (GRCh38, 1-based): chr14:53,950,558, A>G on the plus strand (T>C on the coding strand, the complement: BMP4 is on the minus strand). VCF-style: chr14-53950558-A-G. GRCh37 (hg19) VCF-style: chr14-54417276-A-G.
Other names: c.842T>C, p.Leu281Pro (NM_001347912.1); c.512T>C, p.Leu171Pro (NM_001347913.2, NM_001347915.2, NM_001347917.1); c.701T>C, p.Leu234Pro (NM_001347914.2, NM_001347916.1, NM_130850.5 and 1 more transcripts); short protein forms L234P, L171P, L281P.
Identifiers: ClinVar variation 5008753 (VCV005008753.1).
Genomic context (GRCh38, chr14:53,950,558, plus strand): 5'-ATCCTGACATGCTGGCCCTGGTGGGTCCGAGTCTGATGGAGGTGAGTCACCTCAATGGCT[A>G]GCCCATAGTTTGGCTGCTTCTCCCGGGTCCAGCGAAGGACCGCAGGGCTCACATCAAAAG-3'
Protein context (NP_001193.2, residues 224-244): WTREKQPNYG[Leu234Pro]AIEVTHLHQT